The following is an entry in ClinVar:

ClinVar aggregate classification (germline): Uncertain significance (1 of 4 stars; one submission).

Conditions:
Cardiomyopathy (CMYO). Also called: Cardiomyopathies. Identifiers: Orphanet 167848, MedGen C0878544, MONDO:0004994, HP:0001638. Inheritance: Various modes of inheritance.

Submission:

Color Diagnostics, LLC DBA Color Health
Classification: Uncertain significance for Cardiomyopathy. Last evaluated: 2023-04-17. Review status: criteria provided, single submitter. Criteria: ACMG Guidelines, 2015. Collection method: clinical testing. Allele origin: germline.
Comment: This missense variant replaces histidine with leucine at codon 692 of the RYR2 protein. Computational prediction is inconclusive regarding the impact of this variant on protein structure and function (internally defined REVEL score threshold 0.5 < inconclusive < 0.7, PMID: 27666373). To our knowledge, functional studies have not been reported for this variant. This variant has not been reported in individuals affected with RYR2-related disorders in the literature. This variant has not been identified in the general population by the Genome Aggregation Database (gnomAD). The available evidence is insufficient to determine the role of this variant in disease conclusively. Therefore, this variant is classified as a Variant of Uncertain Significance.

NM_001035.3(RYR2):c.2075A>T (p.His692Leu)

Gene: RYR2 (ryanodine receptor 2; plus strand). Cytogenetic location: 1q43.
Variant type: single nucleotide variant.
Coding change: c.2075A>T on transcript NM_001035.3 (MANE Select); coding-DNA position 2075, A replaced by T.
Protein change: p.His692Leu; replaces histidine 692 with leucine.
Molecular consequence: missense variant.
Genome position (GRCh38, 1-based): chr1:237,496,624, A>T. VCF-style: chr1-237496624-A-T. GRCh37 (hg19) VCF-style: chr1-237659924-A-T.
Other names: short protein forms H692L.
Identifiers: ClinVar variation 2774260 (VCV002774260.2), dbSNP rs2545835932, ClinGen allele CA345391711.